The following is an entry in ClinVar:

ClinVar aggregate classification (germline): Benign/Likely benign. Review status: criteria provided, multiple submitters, no conflicts (2 of 4 stars). 4 submissions from 4 submitters: Benign (2); Likely benign (2). Last evaluated 2025-04-14.

Allele frequency attached by ClinVar (database versions not stated): gnomAD exomes 0.00014 and 0.00046; ExAC 0.00065; gnomAD 0.00180 and 0.00183; ESP Exome Variant Server 0.00185; TOPMed 0.00190; 1000 Genomes Project 30x 0.00297; 1000 Genomes Project 0.00379.
gnomAD v4.1: 454 of 1,366,530 alleles (0.033%); highest among the groups gnomAD compares: African/African-American, 0.56%; 2 homozygotes.

Submissions (4):

ARUP Laboratories, Molecular Genetics and Genomics, ARUP Laboratories
Classification: Likely benign. Last evaluated: 2025-04-14. Review status: criteria provided, single submitter. Criteria: ARUP Molecular Germline Variant Investigation Process 2024. Collection method: clinical testing. Allele origin: germline.

Blueprint Genetics
Classification: Likely benign. Last evaluated: 2024-09-23. Review status: criteria provided, single submitter. Criteria: ACMG Guidelines, 2015. Collection method: clinical testing. Allele origin: germline.

Laboratory for Molecular Medicine, Mass General Brigham Personalized Medicine
Classification: Benign. Last evaluated: 2017-05-18. Review status: criteria provided, single submitter. Criteria: LMM Criteria. Collection method: clinical testing. Allele origin: germline. Observed: 2 variant alleles.
Comment: 5+12G>A in Intron 01 of KCNQ1: This variant is not expected to have clinical sig nificance because it is not located within the conserved splice consensus sequen ce and has been identified in 0.6% (144/23872) of African chromosomes by the Gen ome Aggregation Database (gnomAD; dbSNP rs1161 03203).

GeneDx
Classification: Benign. Last evaluated: 2015-03-03. Review status: criteria provided, single submitter. Criteria: GeneDx Variant Classification Process June 2021. Collection method: clinical testing. Allele origin: germline. Affected: yes.

NM_000218.3(KCNQ1):c.386+16242G>A

Gene: KCNQ1 (potassium voltage-gated channel subfamily Q member 1; plus strand). Cytogenetic location: 11p15.5.
Variant type: single nucleotide variant.
Coding change: c.386+16242G>A on transcript NM_000218.3 (MANE Select); 16242 bases into the intron after coding-DNA position 386, G replaced by A.
Molecular consequence: intron variant.
Genome position (GRCh38, 1-based): chr11:2,461,726, G>A. VCF-style: chr11-2461726-G-A. GRCh37 (hg19) VCF-style: chr11-2482956-G-A.
Other names: c.24+16242G>A (NM_001406837.1); c.386+16242G>A (NM_001406836.1, NM_001406838.1); c.5+12G>A (NM_181798.2).
Identifiers: ClinVar variation 178384 (VCV000178384.10), dbSNP rs116103203, ClinGen allele CA006949.